The following is an entry in ClinVar:

NM_000337.6(SGCD):c.848A>G (p.Gln283Arg)

Gene: SGCD (sarcoglycan delta; plus strand). Cytogenetic location: 5q33.3.
Variant type: single nucleotide variant.
Coding change: c.848A>G on transcript NM_000337.6 (MANE Select); coding-DNA position 848, A replaced by G.
Protein change: p.Gln283Arg; replaces glutamine 283 with arginine.
Molecular consequence: missense variant.
Genome position (GRCh38, 1-based): chr5:156,759,365, A>G. VCF-style: chr5-156759365-A-G. GRCh37 (hg19) VCF-style: chr5-156186376-A-G.
Other names: c.845A>G, p.Gln282Arg (NM_001128209.2); short protein forms Q283R, Q282R.
Identifiers: ClinVar variation 43358 (VCV000043358.31), dbSNP rs397516338, ClinGen allele CA132475.

ClinVar aggregate classification (germline): Conflicting classifications of pathogenicity. Review status: criteria provided, conflicting classifications (1 of 4 stars). 10 submissions from 10 submitters: Uncertain significance (2); Likely benign (7). 1 of the submissions does not count toward it. Last evaluated 2026-01-31.

Conditions:
SGCD-related disorder. Also called: SGCD-related condition.
Qualitative or quantitative defects of delta-sarcoglycan. Identifiers: Orphanet 207070, MedGen C5680806, MONDO:0016144.
Hypertrophic cardiomyopathy 1 (CMH1). Also called: MYH7-Related Familial Hypertrophic Cardiomyopathy; Familial hypertrophic cardiomyopathy 1. Identifiers: MedGen C3495498, MONDO:0008647, OMIM 192600.
Primary dilated cardiomyopathy (DCM). Also called: Dilated Cardiomyopathy. Identifiers: Orphanet 217604, MedGen C0007193, MeSH D002311, MONDO:0005021, HP:0001644. Inheritance: Various modes of inheritance.
Autosomal recessive limb-girdle muscular dystrophy type 2F (LGMDR6). Also called: Muscular dystrophy limb-girdle with delta-sarcoglyan deficiency; MUSCULAR DYSTROPHY, LIMB-GIRDLE, AUTOSOMAL RECESSIVE 6. Identifiers: Orphanet 219, MedGen C1832525, MONDO:0011028, OMIM 601287. Disease mechanism: Affects gamma-sarcoglycan and also disrupts the integrity of the entire sarcoglycan complex..

Allele frequency attached by ClinVar (database versions not stated): 1000 Genomes Project 30x 0.00016; gnomAD exomes 0.00017 and 0.00056; gnomAD 0.00019 and 0.00020; TOPMed 0.00040; ExAC 0.00047.
gnomAD v4.1: 289 of 1,611,148 alleles (0.018%); highest among the groups gnomAD compares: East Asian, 0.57%; 1 homozygote.

Submissions (10):

Labcorp Genetics (formerly Invitae), Labcorp
Classification: Likely benign for Autosomal recessive limb-girdle muscular dystrophy type 2F. Last evaluated: 2026-01-31. Review status: criteria provided, single submitter. Criteria: Invitae Variant Classification Sherloc (09022015). Collection method: clinical testing. Allele origin: germline.

Women's Health and Genetics/Laboratory Corporation of America, LabCorp
Classification: Likely benign. Last evaluated: 2025-11-17. Review status: criteria provided, single submitter. Criteria: LabCorp Variant Classification Summary - May 2015. Collection method: clinical testing. Allele origin: germline.
Comment: Variant summary: SGCD c.848A>G (p.Gln283Arg) results in a conservative amino acid change in the encoded protein sequence. Algorithms developed to predict the effect of missense changes on protein structure and function are either unavailable or do not agree on the potential impact of this missense change. The variant allele was found at a frequency of 0.00056 in 248152 control chromosomes, predominantly at a frequency of 0.0076 within the East Asian subpopulation in the gnomAD database. The observed variant frequency within East Asian control individuals in the gnomAD database exceeds the estimated maximal expected allele frequency for disease-causing variants in SGCD. To our knowledge, no occurrence of c.848A>G in individuals affected with SGCD-related conditions has been reported. One publication reported the variant protein interacts with other SGC proteins in an identical manner as wild-type, although there is reduced cell surface expression of the complete SGC complex (Chen_2015). The following publication have been ascertained in the context of this evaluation (PMID: 26720722). ClinVar contains an entry for this variant (Variation ID: 43358). Based on the evidence outlined above, the variant was classified as likely benign.

Revvity Omics, Revvity
Classification: Uncertain significance. Last evaluated: 2024-05-09. Review status: criteria provided, single submitter. Criteria: ACMG Guidelines, 2015. Collection method: clinical testing. Allele origin: germline.

GeneDx
Classification: Likely benign. Last evaluated: 2019-10-28. Review status: criteria provided, single submitter. Criteria: GeneDx Variant Classification Process June 2021. Collection method: clinical testing. Allele origin: germline. Affected: yes.
Comment: In silico analysis, which includes protein predictors and evolutionary conservation, supports that this variant does not alter protein structure/function; This variant is associated with the following publications: (PMID: 32344918, 26720722, 23861362, 27707468)

Illumina Laboratory Services, Illumina
Classification: Likely benign for Qualitative or quantitative defects of delta-sarcoglycan. Last evaluated: 2018-01-13. Review status: criteria provided, single submitter. Criteria: ICSL Variant Classification Criteria 13 December 2019. Collection method: clinical testing. Allele origin: germline.
Comment: This variant was observed in the ICSL laboratory as part of a predisposition screen in an ostensibly healthy population. It had not been previously curated by ICSL or reported in the Human Gene Mutation Database (HGMD: prior to June 1st, 2018), and was therefore a candidate for classification through an automated scoring system. Utilizing variant allele frequency, disease prevalence and penetrance estimates, and inheritance mode, an automated score was calculated to assess if this variant is too frequent to cause the disease. Based on the score and internal cut-off values, a variant classified as likely benign is not then subjected to further curation. The score for this variant resulted in a classification of likely benign for this disease.

Agnes Ginges Centre for Molecular Cardiology, Centenary Institute
Classification: Likely benign for Hypertrophic cardiomyopathy 1. Last evaluated: 2017-03-16. Review status: criteria provided, single submitter. Criteria: Agnes Ginges Centre for Molecular Cardiology criteria (2015). Collection method: research. Allele origin: germline. Inheritance: Autosomal dominant inheritance. Affected: yes.
Comment: The SGCD Gln283Arg variant is present at high frequency in the Exome Aggregation Consortium dataset and is particularly common in the East Asian population; allele frequency=0.006379 (MAF= 0.0004690). Computational tools PolyPhen-2 and MutationTaster predict the amino acid substitution to be "probably damaging" and "disease-causing" respectively, however SIFT predicts this variant to be "tolerated". In summary, based on the current literature, our limited understanding of the role of SGCD in HCM, and an allele frequency higher than expected for HCM, we classify SGCD Gln283Arg as "likely benign".

Laboratory for Molecular Medicine, Mass General Brigham Personalized Medicine
Classification: Likely benign. Last evaluated: 2014-11-25. Review status: criteria provided, single submitter. Criteria: LMM Criteria. Collection method: clinical testing. Allele origin: germline. Observed: 2 variant alleles.
Comment: p.Gln283Arg in exon 9 of SGCD: This variant is not expected to have clinical sig nificance because it has been identified in 0.6% (57/8734) of East Asian chromos omes by the Exome Aggregation Consortium (ExAC; dbSNP rs397516338).

Biesecker Lab/Clinical Genomics Section, National Institutes of Health
Classification: Uncertain significance. Last evaluated: 2013-06-24. Review status: criteria provided, single submitter. Criteria: Ng et al. (Circ Cardiovasc Genet. 2013). Collection method: research. Allele origin: unknown. Observed: 1 variant allele. Study: ClinSeq.
Comment: The study set was not selected for affection status in relation to any cancer. Pathogenicity categories were based on literature curation. See Pubmed ID:23861362 for details.

Medical sequencing

Genetics and Genomics Program, Sidra Medicine
Classification: Likely benign for Primary dilated cardiomyopathy. Review status: criteria provided, single submitter. Criteria: ACMG Guidelines, 2015. Collection method: research. Allele origin: unknown. Affected: yes. Observed: 1 variant allele.

PreventionGenetics, part of Exact Sciences
Classification: Likely benign for SGCD-related condition. Last evaluated: 2020-12-17. Review status: no assertion criteria provided. Collection method: clinical testing. Allele origin: germline. Not counted in ClinVar's aggregate classification.
Comment: This variant is classified as likely benign based on ACMG/AMP sequence variant interpretation guidelines (Richards et al. 2015 PMID: 25741868, with internal and published modifications).

Literature cited by the submitters: PubMed 26720722 (cited by Women's Health and Genetics/Laboratory Corporation of America, LabCorp); PubMed 23861362 (cited by Agnes Ginges Centre for Molecular Cardiology, Centenary Institute).